The following is an entry in ClinVar:

NM_001379210.1(SLC25A26):c.603C>T (p.Asp201=)

Gene: SLC25A26 (solute carrier family 25 member 26; plus strand). Cytogenetic location: 3p14.1.
Variant type: single nucleotide variant.
Coding change: c.603C>T on transcript NM_001379210.1 (MANE Select); coding-DNA position 603, C replaced by T.
Protein change: p.Asp201=; no amino-acid change (aspartic acid 201 retained).
Molecular consequence: synonymous variant. On other transcripts: non-coding transcript variant (15).
Genome position (GRCh38, 1-based): chr3:66,369,512, C>T. VCF-style: chr3-66369512-C-T. GRCh37 (hg19) VCF-style: chr3-66419936-C-T.
Other names: c.603C>T, p.Asp201= (NM_001009937.1, NM_001400705.1, NM_173471.4); c.339C>T, p.Asp113= (NM_001164796.1, NM_001350993.1, NM_001400709.1 and 1 more transcripts); c.558C>T, p.Asp186= (NM_001400707.1); c.294C>T, p.Asp98= (NM_001400714.1).
Identifiers: ClinVar variation 2046990 (VCV002046990.5), dbSNP rs546539897, ClinGen allele CA2483796.

ClinVar aggregate classification (germline): Likely benign. Review status: criteria provided, multiple submitters, no conflicts (2 of 4 stars). 2 submissions from 2 submitters: Likely benign (2). Last evaluated 2026-07-01.

Allele frequency attached by ClinVar (database versions not stated): gnomAD 0.00002; TOPMed 0.00005; 1000 Genomes Project 30x 0.00016; 1000 Genomes Project 0.00020.
gnomAD v4.1: 54 of 1,604,498 alleles (0.0034%); highest among the groups gnomAD compares: Non-Finnish European, 0.0039%; no homozygotes.

Submissions (2):

CeGaT Center for Human Genetics Tuebingen
Classification: Likely benign. Last evaluated: 2026-07-01. Review status: criteria provided, single submitter. Criteria: CeGaT Center For Human Genetics Tuebingen Variant Classification Criteria Version 2. Collection method: clinical testing. Allele origin: germline. Affected: yes. Observed: 1 variant allele.
Comment: SLC25A26: BP4, BP7

Labcorp Genetics (formerly Invitae), Labcorp
Classification: Likely benign. Last evaluated: 2025-03-22. Review status: criteria provided, single submitter. Criteria: Invitae Variant Classification Sherloc (09022015). Collection method: clinical testing. Allele origin: germline.